The following is an entry in ClinVar:

ClinVar aggregate classification (germline): Likely benign (1 of 4 stars; one submission).

gnomAD v4.1: 86 of 1,572,732 alleles (0.0055%); highest among the groups gnomAD compares: Middle Eastern, 0.12%; no homozygotes.

Submission:

CeGaT Center for Human Genetics Tuebingen
Classification: Likely benign. Last evaluated: 2025-11-01. Review status: criteria provided, single submitter. Criteria: CeGaT Center For Human Genetics Tuebingen Variant Classification Criteria Version 2. Collection method: clinical testing. Allele origin: germline. Affected: yes. Observed: 1 variant allele.
Comment: KAAG1: BP4, BP7

NM_016356.5(DCDC2):c.-126T>C

Genes: DCDC2 (doublecortin domain containing 2; minus strand), KAAG1 (kidney associated DCDC2 antisense RNA 1; plus strand). Cytogenetic location: 6p22.3.
Variant type: single nucleotide variant.
Coding change: c.-126T>C on transcript NM_016356.5 (MANE Select); 126 bases upstream of the start codon, T replaced by C.
Molecular consequence: 5 prime UTR variant. On other transcripts: non-coding transcript variant (1), intron variant (1).
Genome position (GRCh38, 1-based): chr6:24,357,876, A>G on the plus strand (T>C on the coding strand, the complement: DCDC2 is on the minus strand). VCF-style: chr6-24357876-A-G. GRCh37 (hg19) VCF-style: chr6-24358104-A-G.
Other names: c.-97-29T>C (NM_001195610.2).
Identifiers: ClinVar variation 4533858 (VCV004533858.6).